The following is an entry in ClinVar:

ClinVar aggregate classification (germline): Conflicting classifications of pathogenicity. Review status: criteria provided, conflicting classifications (1 of 4 stars). 4 submissions from 4 submitters: Likely pathogenic (3); Uncertain significance (1). Last evaluated 2024-11-11.

Conditions:
Charcot-Marie-Tooth disease, type I (CMT1). Also called: Charcot-Marie-Tooth, Type 1; Charcot-Marie-Tooth disease type 1. Identifiers: Orphanet 65753, MedGen C0751036, MONDO:0019011.

Submissions (4):

Labcorp Genetics (formerly Invitae), Labcorp
Classification: Likely pathogenic for Charcot-Marie-Tooth disease, type I. Last evaluated: 2024-11-11. Review status: criteria provided, single submitter. Criteria: Invitae Variant Classification Sherloc (09022015). Collection method: clinical testing. Allele origin: germline.
Comment: This sequence change replaces serine, which is neutral and polar, with leucine, which is neutral and non-polar, at codon 59 of the MPZ protein (p.Ser59Leu). This variant is not present in population databases (gnomAD no frequency). This missense change has been observed in individual(s) with clinical features of Charcot-Marie-Tooth disease (internal data). Invitae Evidence Modeling of clinical and family history, age, sex, and reported ancestry of multiple individuals with this MPZ variant has been performed. This variant is expected to be pathogenic with a positive predictive value of at least 99%. This is a validated machine learning model that incorporates the clinical features of 11,906 individuals referred to our laboratory for MPZ testing. ClinVar contains an entry for this variant (Variation ID: 246527). An algorithm developed to predict the effect of missense changes on protein structure and function (PolyPhen-2) suggests that this variant is likely to be disruptive. In summary, the currently available evidence indicates that the variant is pathogenic, but additional data are needed to prove that conclusively. Therefore, this variant has been classified as Likely Pathogenic.

CeGaT Center for Human Genetics Tuebingen
Classification: Uncertain significance. Last evaluated: 2024-02-01. Review status: criteria provided, single submitter. Criteria: CeGaT Center For Human Genetics Tuebingen Variant Classification Criteria Version 2. Collection method: clinical testing. Allele origin: germline. Affected: yes. Observed: 1 variant allele.
Comment: MPZ: PM1, PM2

Athena Diagnostics
Classification: Likely pathogenic. Last evaluated: 2023-04-24. Review status: criteria provided, single submitter. Criteria: Athena Diagnostics Criteria. Collection method: clinical testing. Allele origin: unknown.
Comment: This variant has not been reported in large, multi-ethnic general populations. This variant has been identified in at least one individual with clinical features associated with this gene. The variant is located in a region that is considered important for protein function and/or structure. Computational tools predict that this variant is damaging.

GeneDx
Classification: Likely pathogenic. Last evaluated: 2016-04-06. Review status: criteria provided, single submitter. Criteria: GeneDx Variant Classification (06012015). Collection method: clinical testing. Allele origin: germline. Affected: yes.
Comment: The S59L variant has not been published as a pathogenic variant, nor has it been reported as a benign variant to our knowledge. It was not observed in approximately 6,500 individuals of European and African American ancestry in the NHLBI Exome Sequencing Project, indicating it is not a common benign variant in these populations. The S59L variant is a non-conservative amino acid substitution, which is likely to impact secondary protein structure as these residues differ in polarity, charge, size, and/or other properties. This substitution alters a conserved position predicted to be within the extracellular immunoglobulin-like domain of the MPZ protein (Lee et al., 2010). Multiple missense variants in nearby residues have been reported in the Human Gene Mutation Database in association with MPZ-related disorders (Stenson et al., 2014), supporting the functional importance of this region of the protein. In silico analysis is inconsistent in its predictions as to whether or not the variant is damaging to the protein structure/function. Therefore, this variant is likely pathogenic; however, the possibility that it is benign cannot be excluded.

NM_000530.8(MPZ):c.176C>T (p.Ser59Leu)

Gene: MPZ (myelin protein zero; minus strand). Cytogenetic location: 1q23.3.
Variant type: single nucleotide variant.
Coding change: c.176C>T on transcript NM_000530.8 (MANE Select); coding-DNA position 176, C replaced by T.
Protein change: p.Ser59Leu; replaces serine 59 with leucine.
Molecular consequence: missense variant.
Genome position (GRCh38, 1-based): chr1:161,307,316, G>A on the plus strand (C>T on the coding strand, the complement: MPZ is on the minus strand). VCF-style: chr1-161307316-G-A. GRCh37 (hg19) VCF-style: chr1-161277106-G-A.
Other names: c.176C>T (LRG_256t1); c.176C>T, p.Ser59Leu (NM_001315491.2); short protein forms S59L.
Identifiers: ClinVar variation 246527 (VCV000246527.31), dbSNP rs879254297, ClinGen allele CA10584146.